The following is an entry in ClinVar:

ClinVar aggregate classification (germline): Conflicting classifications of pathogenicity. Review status: criteria provided, conflicting classifications (1 of 4 stars). 4 submissions from 4 submitters: Uncertain significance (1); Benign (1); Likely benign (2). Last evaluated 2025-06-02.

Conditions:
Hypotonia with lactic acidemia and hyperammonemia. Identifiers: Orphanet 137908, MedGen C2673642, MONDO:0012718, OMIM 611719.

Allele frequency attached by ClinVar (database versions not stated): gnomAD 0.00010; TOPMed 0.00010; ESP Exome Variant Server 0.00023; ExAC 0.00027.
gnomAD v4.1: 282 of 1,613,546 alleles (0.017%); highest among the groups gnomAD compares: Non-Finnish European, 0.003%; no homozygotes.

Submissions (4):

Labcorp Genetics (formerly Invitae), Labcorp
Classification: Benign. Last evaluated: 2025-06-02. Review status: criteria provided, single submitter. Criteria: Invitae Variant Classification Sherloc (09022015). Collection method: clinical testing. Allele origin: germline.

Blueprint Genetics
Classification: Likely benign. Last evaluated: 2023-11-16. Review status: criteria provided, single submitter. Criteria: ACMG Guidelines, 2015. Collection method: clinical testing. Allele origin: germline.

Illumina Laboratory Services, Illumina
Classification: Uncertain significance for Hypotonia with lactic acidemia and hyperammonemia. Last evaluated: 2018-01-12. Review status: criteria provided, single submitter. Criteria: ICSL Variant Classification Criteria 13 December 2019. Collection method: clinical testing. Allele origin: germline.

GeneDx
Classification: Likely benign. Last evaluated: 2016-08-11. Review status: criteria provided, single submitter. Criteria: GeneDx Variant Classification (06012015). Collection method: clinical testing. Allele origin: germline. Affected: yes.
Comment: This variant is considered likely benign or benign based on one or more of the following criteria: it is a conservative change, it occurs at a poorly conserved position in the protein, it is predicted to be benign by multiple in silico algorithms, and/or has population frequency not consistent with disease.

NM_020191.4(MRPS22):c.340-14T>A

Gene: MRPS22 (mitochondrial ribosomal protein S22; plus strand). Cytogenetic location: 3q23.
Variant type: single nucleotide variant.
Coding change: c.340-14T>A on transcript NM_020191.4 (MANE Select); 14 bases into the intron before coding-DNA position 340, T replaced by A.
Molecular consequence: intron variant.
Genome position (GRCh38, 1-based): chr3:139,348,146, T>A. VCF-style: chr3-139348146-T-A. GRCh37 (hg19) VCF-style: chr3-139066988-T-A.
Other names: c.337-14T>A (NM_001363893.1); c.217-14T>A (NM_001363857.1).
Identifiers: ClinVar variation 343486 (VCV000343486.13), dbSNP rs377459479, ClinGen allele CA2640698.
Genomic context (GRCh38, chr3:139,348,146, plus strand): 5'-TATGTGCTTTTGTCAGATGATCCTTATATTATGTAACCTTGTGGCTTTCCTTAATAAATA[T>A]TTTCTTTCATTAGGCTACAAGACAGGCAGTTGAGGCAGCTAAAGTACGATTAAAAATGCC-3'